The following is an entry in ClinVar:

GRCh38/hg38 15q11.2(chr15:22600368-23122763)x1

Genes: CYFIP1 (cytoplasmic FMR1 interacting protein 1; minus strand), NIPA1 (NIPA magnesium transporter 1; plus strand), NIPA2 (NIPA magnesium transporter 2; plus strand), TUBGCP5 (tubulin gamma complex component 5; minus strand), LOC112272575 (Sharpr-MPRA regulatory region 8478; plus strand) and 15 more. Cytogenetic location: 15q11.2.
Variant type: copy number loss.
Change: copy number 1 (one copy instead of two) of chr15:22,600,368-23,122,763 (522.4 kb, GRCh38 coordinates, 1-based), cytogenetic band 15q11.2.
Identifiers: ClinVar variation 4890927 (VCV004890927.1).

ClinVar aggregate classification (germline): Pathogenic (1 of 4 stars; one submission).

Submission:

Clinical Genomics Laboratory, Laboratory for Precision Diagnostics, University of Washington
Classification: Pathogenic. Last evaluated: 2023-03-20. Review status: criteria provided, single submitter. Criteria: ACMG/ClinGen CNV Guidelines, 2019. Collection method: clinical testing. Allele origin: unknown. Affected: yes. Observed: 1 variant allele.
Comment: This interstitial deletion includes the entirety of the recurrent 15q11.2 microdeletion between BP1 and BP2.

Literature cited by the submitters: PubMed 28387067; PubMed 21841781; PubMed 25689425; PubMed 31665216; PubMed 31451536; PubMed 23258348.